The following is an entry in ClinVar:

ClinVar aggregate classification (germline): Uncertain significance (1 of 4 stars; one submission).

Conditions:
EFR3A-related disorder. Also called: EFR3A-related condition.

Submission:

PreventionGenetics, part of Exact Sciences
Classification: Uncertain significance for EFR3A-related condition. Last evaluated: 2024-12-27. Review status: criteria provided, single submitter. Criteria: ACMG Guidelines, 2015. Collection method: clinical testing. Allele origin: germline.
Comment: The EFR3A c.776+2dupT variant is predicted to result in an intronic duplication. To our knowledge, this variant has not been reported in the literature. This variant is predicted to alter splicing based on available splicing prediction programs (SpliceAI, Jaganathan et al. 2019. PubMed ID: 30661751). However, the use of computer prediction programs is not equivalent to functional evidence. This variant is reported in 0.0062% of alleles in individuals of African descent in gnomAD. At this time, the clinical significance of this variant is uncertain due to the absence of conclusive functional and genetic evidence.

NM_015137.6(EFR3A):c.776+2dup

Gene: EFR3A (EFR3 homolog A; plus strand). Cytogenetic location: 8q24.22.
Variant type: Duplication.
Coding change: c.776+2dup on transcript NM_015137.6 (MANE Select); the canonical splice donor site of the intron after coding-DNA position 776, one base duplicated (T; older notation c.776+2dupT).
Molecular consequence: splice donor variant.
Genome position (GRCh38, 1-based): chr8:131,955,907, T duplicated. VCF-style (leftmost placement, unchanged base first): chr8-131955906-G-GT. GRCh37 (hg19) VCF-style: chr8-132968153-G-GT.
Other names: c.668+2dup (NM_001323555.2, NM_001323554.2, NM_001323553.2 and 2 more transcripts); c.776+2dup (NM_001323558.2).
Identifiers: ClinVar variation 4986403 (VCV004986403.1).